The following is an entry in ClinVar:

ClinVar aggregate classification (germline): Uncertain significance (1 of 4 stars; one submission).

Conditions:
Ectopia lentis et pupillae. Also called: ECTOPIA LENTIS WITH ECTOPIA OF PUPIL. Identifiers: Orphanet 1885, MedGen C1644196, MONDO:0009153, OMIM 225200.
Ectopia lentis 2, isolated, autosomal recessive (ECTOL2). Identifiers: Orphanet 1885, MedGen C3541474, MONDO:0009152, OMIM 225100.

Allele frequency attached by ClinVar (database versions not stated): gnomAD exomes below 0.00001 and 0.00001; gnomAD 0.00001.
gnomAD v4.1: 5 of 1,614,026 alleles (0.00031%); highest among the groups gnomAD compares: Non-Finnish European, 0.00042%; 1 homozygote.

Submission:

Center for Genomics, Ann and Robert H. Lurie Children's Hospital of Chicago
Classification: Uncertain significance for Ectopia lentis et pupillae; Ectopia lentis 2, isolated, autosomal recessive. Review status: criteria provided, single submitter. Criteria: ACMG Guidelines, 2015. Collection method: clinical testing. Allele origin: germline.
Comment: ADAMTSL4 NM_019032.5 exon 7 c.1234+3G>A: This variant has not been reported in the literature but is present in 0.001% (1/68026) of European alleles in the Genome Aggregation Database. Evolutionary conservation and computational predictive tools for this variant are limited or unavailable. Although this variant occurs in the splice region, computational prediction tools do not suggest that it alters splicing. However, further studies are needed to understand its impact. In summary, data on this variant is insufficient for disease classification. Therefore, the clinical significance of this variant is uncertain.

NM_019032.6(ADAMTSL4):c.1234+3G>A

Genes: ADAMTSL4 (ADAMTS like 4; plus strand), ADAMTSL4-AS2 (ADAMTSL4 antisense RNA 2; minus strand). Cytogenetic location: 1q21.2.
Variant type: single nucleotide variant.
Coding change: c.1234+3G>A on transcript NM_019032.6 (MANE Select); 3 bases into the intron after coding-DNA position 1234, G replaced by A.
Molecular consequence: intron variant.
Genome position (GRCh38, 1-based): chr1:150,554,470, G>A. VCF-style: chr1-150554470-G-A. GRCh37 (hg19) VCF-style: chr1-150526946-G-A.
Other names: c.1234+3G>A (NM_001288608.2, NM_001288607.2, NM_001378596.1 and 1 more transcripts).
Identifiers: ClinVar variation 1675160 (VCV001675160.3), dbSNP rs1318676781, ClinGen allele CA526261020.